The following is an entry in ClinVar:

ClinVar aggregate classification (germline): Uncertain significance. Review status: criteria provided, multiple submitters, no conflicts (2 of 4 stars). 2 submissions from 2 submitters: Uncertain significance (2). Last evaluated 2024-12-02.

Conditions:
Inborn genetic diseases. Identifiers: MedGen C0950123, MeSH D030342.
Hyperekplexia 3 (HKPX3). Also called: HYPEREKPLEXIA 3, AUTOSOMAL RECESSIVE; HYPEREKPLEXIA 3, AUTOSOMAL DOMINANT. Identifiers: Orphanet 3197, MedGen C3553288, MONDO:0013827, OMIM 614618.

Allele frequency attached by ClinVar (database versions not stated): gnomAD exomes below 0.00001 and 0.00001; ExAC 0.00001; gnomAD 0.00004; TOPMed 0.00005.
gnomAD v4.1: 9 of 1,614,100 alleles (0.00056%); highest among the groups gnomAD compares: African/African-American, 0.008%; no homozygotes.

Submissions (2):

Ambry Genetics
Classification: Uncertain significance for Inborn genetic diseases. Last evaluated: 2024-12-02. Review status: criteria provided, single submitter. Criteria: Ambry Variant Classification Scheme 2023. Collection method: clinical testing. Allele origin: germline.

Labcorp Genetics (formerly Invitae), Labcorp
Classification: Uncertain significance for Hyperekplexia 3. Last evaluated: 2022-02-05. Review status: criteria provided, single submitter. Criteria: Invitae Variant Classification Sherloc (09022015). Collection method: clinical testing. Allele origin: germline.
Comment: This sequence change replaces isoleucine, which is neutral and non-polar, with valine, which is neutral and non-polar, at codon 274 of the SLC6A5 protein (p.Ile274Val). This variant is present in population databases (rs141471006, gnomAD 0.008%). This variant has not been reported in the literature in individuals affected with SLC6A5-related conditions. Advanced modeling of protein sequence and biophysical properties (such as structural, functional, and spatial information, amino acid conservation, physicochemical variation, residue mobility, and thermodynamic stability) performed at Invitae indicates that this missense variant is not expected to disrupt SLC6A5 protein function. In summary, the available evidence is currently insufficient to determine the role of this variant in disease. Therefore, it has been classified as a Variant of Uncertain Significance.

NM_004211.5(SLC6A5):c.820A>G (p.Ile274Val)

Gene: SLC6A5 (solute carrier family 6 member 5; plus strand). Cytogenetic location: 11p15.1.
Variant type: single nucleotide variant.
Coding change: c.820A>G on transcript NM_004211.5 (MANE Select); coding-DNA position 820, A replaced by G.
Protein change: p.Ile274Val; replaces isoleucine 274 with valine.
Molecular consequence: missense variant.
Genome position (GRCh38, 1-based): chr11:20,607,487, A>G. VCF-style: chr11-20607487-A-G. GRCh37 (hg19) VCF-style: chr11-20629033-A-G.
Other names: c.118A>G, p.Ile40Val (NM_001318369.2); c.820A>G (NM_004211.3); short protein forms I274V, I40V.
Identifiers: ClinVar variation 1447516 (VCV001447516.4), dbSNP rs141471006, ClinGen allele CA5921228.